The following is an entry in ClinVar:

ClinVar aggregate classification (germline): Likely pathogenic (0 of 4 stars; one submission).

Conditions:
Finnish congenital nephrotic syndrome (NPHS1). Also called: NEPHROTIC SYNDROME, TYPE 1. Identifiers: Orphanet 839, MedGen C0403399, MONDO:0009732, OMIM 256300.

Submission:

Juha Muilu Group; Institute for Molecular Medicine Finland (FIMM)
Classification: Likely pathogenic for Finnish congenital nephrotic syndrome. Review status: no assertion criteria provided. Collection method: not provided. Allele origin: unknown.
Comment: FinDis database variant: This variant was not found or characterized by our laboratory, data were collected from public sources: see reference
ClinVar note: Converted during submission from probable-pathogenic to Likely pathogenic.

NM_004646.4(NPHS1):c.526+5G>C

Gene: NPHS1 (NPHS1 adhesion molecule, nephrin; minus strand). Cytogenetic location: 19q13.12.
Variant type: single nucleotide variant.
Coding change: c.526+5G>C on transcript NM_004646.4 (MANE Select); 5 bases into the intron after coding-DNA position 526, G replaced by C.
Molecular consequence: intron variant.
Genome position (GRCh38, 1-based): chr19:35,850,956, C>G on the plus strand (G>C on the coding strand, the complement: NPHS1 is on the minus strand). VCF-style: chr19-35850956-C-G. GRCh37 (hg19) VCF-style: chr19-36341858-C-G.
Identifiers: ClinVar variation 56512 (VCV000056512.2), dbSNP rs386833950, ClinGen allele CA250253.